The following is an entry in ClinVar:

NM_000222.3(KIT):c.696G>A (p.Thr232=)

Gene: KIT (KIT proto-oncogene, receptor tyrosine kinase; plus strand). Cytogenetic location: 4q12.
Variant type: single nucleotide variant.
Coding change: c.696G>A on transcript NM_000222.3 (MANE Select); coding-DNA position 696, G replaced by A.
Protein change: p.Thr232=; no amino-acid change (threonine 232 retained).
Molecular consequence: synonymous variant.
Genome position (GRCh38, 1-based): chr4:54,699,706, G>A. VCF-style: chr4-54699706-G-A. GRCh37 (hg19) VCF-style: chr4-55565872-G-A.
Other names: c.696G>A, p.Thr232= (NM_001093772.2, NM_001385284.1, NM_001385285.1 and 4 more transcripts).
Identifiers: ClinVar variation 528666 (VCV000528666.17), dbSNP rs201988161, ClinGen allele CA2923296.

ClinVar aggregate classification (germline): Benign/Likely benign. Review status: criteria provided, multiple submitters, no conflicts (2 of 4 stars). 3 submissions from 3 submitters: Benign (1); Likely benign (2). Last evaluated 2026-06-02.

Conditions:
Hereditary cancer-predisposing syndrome. Also called: Hereditary neoplastic syndrome; Neoplastic Syndromes, Hereditary; Hereditary Cancer Syndrome; Tumor predisposition. Identifiers: Orphanet 140162, MedGen C0027672, MeSH D009386, MONDO:0015356.
Gastrointestinal stromal tumor. Also called: Gastrointestinal stromal tumor, somatic; Gastrointestinal stroma tumor. Identifiers: Orphanet 44890, MedGen C0238198, MeSH D046152, MONDO:0011719, OMIM 606764, HP:0100723.

Allele frequency attached by ClinVar (database versions not stated): TOPMed 0.00001; ExAC 0.00002.
gnomAD v4.1: 15 of 1,613,940 alleles (0.00093%); highest among the groups gnomAD compares: Middle Eastern, 0.016%; no homozygotes.

Submissions (3):

Myriad Genetics, Inc.
Classification: Benign for Gastrointestinal stromal tumor. Last evaluated: 2026-06-02. Review status: criteria provided, single submitter. Criteria: Myriad Autosomal Dominant, Autosomal Recessive and X-Linked Classification Criteria (2023). Collection method: clinical testing. Allele origin: unknown.
Comment: This variant is considered benign. This variant is a silent/synonymous amino acid change and it is not expected to impact splicing.

Labcorp Genetics (formerly Invitae), Labcorp
Classification: Likely benign for Gastrointestinal stromal tumor. Last evaluated: 2026-01-06. Review status: criteria provided, single submitter. Criteria: Invitae Variant Classification Sherloc (09022015). Collection method: clinical testing. Allele origin: germline.

Ambry Genetics
Classification: Likely benign for Hereditary cancer-predisposing syndrome. Last evaluated: 2019-10-25. Review status: criteria provided, single submitter. Criteria: Ambry Variant Classification Scheme 2023. Collection method: clinical testing. Allele origin: germline.